The following is an entry in ClinVar:

ClinVar aggregate classification (germline): Uncertain significance. Review status: criteria provided, multiple submitters, no conflicts (2 of 4 stars). 2 submissions from 2 submitters: Uncertain significance (2). Last evaluated 2024-05-29.

Allele frequency attached by ClinVar (database versions not stated): gnomAD 0.00001; TOPMed 0.00002.
gnomAD v4.1: 34 of 1,613,862 alleles (0.0021%); highest among the groups gnomAD compares: Non-Finnish European, 0.0029%; no homozygotes.

Submissions (2):

Labcorp Genetics (formerly Invitae), Labcorp
Classification: Uncertain significance. Last evaluated: 2024-05-29. Review status: criteria provided, single submitter. Criteria: Invitae Variant Classification Sherloc (09022015). Collection method: clinical testing. Allele origin: germline.
Comment: This sequence change replaces arginine, which is basic and polar, with proline, which is neutral and non-polar, at codon 1292 of the PCDH15 protein (p.Arg1292Pro). This variant is present in population databases (rs781125903, gnomAD 0.007%). This variant has not been reported in the literature in individuals affected with PCDH15-related conditions. ClinVar contains an entry for this variant (Variation ID: 2151675). Advanced modeling of protein sequence and biophysical properties (such as structural, functional, and spatial information, amino acid conservation, physicochemical variation, residue mobility, and thermodynamic stability) has been performed at Invitae for this missense variant, however the output from this modeling did not meet the statistical confidence thresholds required to predict the impact of this variant on PCDH15 protein function. In summary, the available evidence is currently insufficient to determine the role of this variant in disease. Therefore, it has been classified as a Variant of Uncertain Significance.

Blueprint Genetics
Classification: Uncertain significance. Last evaluated: 2021-12-17. Review status: criteria provided, single submitter. Criteria: ACMG Guidelines, 2015. Collection method: clinical testing. Allele origin: germline.

NM_001384140.1(PCDH15):c.3875G>C (p.Arg1292Pro)

Gene: PCDH15 (protocadherin related 15; minus strand). Cytogenetic location: 10q21.1.
Variant type: single nucleotide variant.
Coding change: c.3875G>C on transcript NM_001384140.1 (MANE Select); coding-DNA position 3875, G replaced by C.
Protein change: p.Arg1292Pro; replaces arginine 1292 with proline.
Molecular consequence: missense variant.
Genome position (GRCh38, 1-based): chr10:53,840,428, C>G on the plus strand (G>C on the coding strand, the complement: PCDH15 is on the minus strand). VCF-style: chr10-53840428-C-G. GRCh37 (hg19) VCF-style: chr10-55600188-C-G.
Other names: c.3890G>C, p.Arg1297Pro (NM_001142763.2, NM_001142771.2); c.3875G>C, p.Arg1292Pro (NM_001142764.2, NM_001142766.2, NM_001142770.3 and 4 more transcripts); c.3662G>C, p.Arg1221Pro (NM_001142765.2); c.3764G>C, p.Arg1255Pro (NM_001142767.2); c.3809G>C, p.Arg1270Pro (NM_001142768.2, NM_001142773.2, NM_001354404.2); c.3911G>C, p.Arg1304Pro (NM_001142769.4); c.3896G>C, p.Arg1299Pro (NM_001354411.2); short protein forms R1270P, R1292P, R1297P, R1221P, R1255P, R1299P, R1304P.
Identifiers: ClinVar variation 2151675 (VCV002151675.4), dbSNP rs781125903, ClinGen allele CA5505521.